The following is an entry in ClinVar:

ClinVar aggregate classification (germline): Uncertain significance (1 of 4 stars; one submission).

Allele frequency attached by ClinVar (database versions not stated): ExAC 0.00001; gnomAD exomes 0.00001.
gnomAD v4.1: 7 of 1,211,628 alleles (0.00058%); highest among the groups gnomAD compares: Non-Finnish European, 0.00078%; no homozygotes.

Submission:

Labcorp Genetics (formerly Invitae), Labcorp
Classification: Uncertain significance. Last evaluated: 2024-10-23. Review status: criteria provided, single submitter. Criteria: Invitae Variant Classification Sherloc (09022015). Collection method: clinical testing. Allele origin: germline.
Comment: This sequence change replaces asparagine, which is neutral and polar, with serine, which is neutral and polar, at codon 320 of the NEXMIF protein (p.Asn320Ser). This variant is present in population databases (rs762083058, gnomAD 0.001%), including at least one homozygous and/or hemizygous individual. This variant has not been reported in the literature in individuals affected with NEXMIF-related conditions. ClinVar contains an entry for this variant (Variation ID: 964767). An algorithm developed to predict the effect of missense changes on protein structure and function (PolyPhen-2) suggests that this variant is likely to be disruptive. In summary, the available evidence is currently insufficient to determine the role of this variant in disease. Therefore, it has been classified as a Variant of Uncertain Significance.

NM_001008537.3(NEXMIF):c.959A>G (p.Asn320Ser)

Gene: NEXMIF (neurite extension and migration factor; minus strand). Cytogenetic location: Xq13.3.
Variant type: single nucleotide variant.
Coding change: c.959A>G on transcript NM_001008537.3 (MANE Select); coding-DNA position 959, A replaced by G.
Protein change: p.Asn320Ser; replaces asparagine 320 with serine.
Molecular consequence: missense variant.
Genome position (GRCh38, 1-based): chrX:74,743,598, T>C on the plus strand (A>G on the coding strand, the complement: NEXMIF is on the minus strand). VCF-style: chrX-74743598-T-C. GRCh37 (hg19) VCF-style: chrX-73963433-T-C.
Other names: short protein forms N320S.
Identifiers: ClinVar variation 964767 (VCV000964767.9), dbSNP rs762083058, ClinGen allele CA10455165.